The following is an entry in ClinVar:

ClinVar aggregate classification (germline): Uncertain significance. Review status: criteria provided, multiple submitters, no conflicts (2 of 4 stars). 3 submissions from 3 submitters: Uncertain significance (3). Last evaluated 2021-08-29.

Conditions:
Neuromuscular disease caused by qualitative or quantitative defects of dystrophin. Also called: Qualitative or quantitative defects of dystrophin. Identifiers: Orphanet 207085, MedGen C5679787, MONDO:0016147.
Duchenne muscular dystrophy (DMD). Also called: MUSCULAR DYSTROPHY, PSEUDOHYPERTROPHIC PROGRESSIVE, DUCHENNE TYPE; Duchenne Muscular Dystrophy (DMD). Identifiers: Orphanet 98896, MedGen C0013264, MONDO:0010679, OMIM 310200.

Allele frequency attached by ClinVar (database versions not stated): gnomAD 0.00001; TOPMed below 0.00001.
gnomAD v4.1: 1 of 1,208,081 alleles (0.000083%); highest among the groups gnomAD compares: Non-Finnish European, 0.00011%; no homozygotes.

Submissions (3):

Labcorp Genetics (formerly Invitae), Labcorp
Classification: Uncertain significance for Duchenne muscular dystrophy. Last evaluated: 2021-08-29. Review status: criteria provided, single submitter. Criteria: Invitae Variant Classification Sherloc (09022015). Collection method: clinical testing. Allele origin: germline.
Comment: This sequence change replaces serine with arginine at codon 1961 of the DMD protein (p.Ser1961Arg). The serine residue is highly conserved and there is a moderate physicochemical difference between serine and arginine. This variant is not present in population databases (ExAC no frequency). This variant has not been reported in the literature in individuals affected with DMD-related conditions. ClinVar contains an entry for this variant (Variation ID: 598010). Algorithms developed to predict the effect of missense changes on protein structure and function are either unavailable or do not agree on the potential impact of this missense change (SIFT: "Deleterious"; PolyPhen-2: "Possibly Damaging"; Align-GVGD: "Class C0"). In summary, the available evidence is currently insufficient to determine the role of this variant in disease. Therefore, it has been classified as a Variant of Uncertain Significance.

Illumina Laboratory Services, Illumina
Classification: Uncertain significance for Neuromuscular disease caused by qualitative or quantitative defects of dystrophin. Last evaluated: 2021-07-29. Review status: criteria provided, single submitter. Criteria: ICSLVariantClassificationCriteria RUGD 01 April 2020. Collection method: clinical testing. Allele origin: unknown.
Comment: The DMD c.5883C>A (p.Ser1961Arg) variant is a missense variant. A literature search was performed for the gene, cDNA change, and amino acid change. No publications were found based on this search. The variant is reported at a frequency of 0.000019 in the European (non-Finnish) population of the Genome Aggregation Database (version 3.1.1), though this is based on one allele in a region of good sequencing coverage so the variant is presumed to be rare. Based on the available evidence, the p.Ser1961Arg variant is classified as a variant of uncertain significance for dystrophinopathies.

Eurofins Ntd Llc (ga)
Classification: Uncertain significance. Last evaluated: 2018-07-16. Review status: criteria provided, single submitter. Criteria: EGL ClinVar v180209 classification definitions. Collection method: clinical testing. Allele origin: germline. Observed: 1 variant allele, 1 hemizygote.

NM_004006.3(DMD):c.5883C>A (p.Ser1961Arg)

Gene: DMD (dystrophin; minus strand). Cytogenetic location: Xp21.1.
Variant type: single nucleotide variant.
Coding change: c.5883C>A on transcript NM_004006.3 (MANE Select); coding-DNA position 5883, C replaced by A.
Protein change: p.Ser1961Arg; replaces serine 1961 with arginine.
Molecular consequence: missense variant.
Genome position (GRCh38, 1-based): chrX:32,342,139, G>T on the plus strand (C>A on the coding strand, the complement: DMD is on the minus strand). VCF-style: chrX-32342139-G-T. GRCh37 (hg19) VCF-style: chrX-32360256-G-T.
Other names: c.5859C>A, p.Ser1953Arg (NM_000109.4); c.5871C>A, p.Ser1957Arg (NM_004009.3); c.5514C>A, p.Ser1838Arg (NM_004010.3); c.1860C>A, p.Ser620Arg (NM_004011.4); c.1851C>A, p.Ser617Arg (NM_004012.4); short protein forms S1961R, S620R, S617R, S1957R, S1838R, S1953R.
Identifiers: ClinVar variation 598010 (VCV000598010.14), dbSNP rs1217612438, ClinGen allele CA412664805.